The following is an entry in ClinVar:

NM_006516.4(SLC2A1):c.311_314del (p.Phe104fs)

Gene: SLC2A1 (solute carrier family 2 member 1; minus strand). Cytogenetic location: 1p34.2.
Variant type: Deletion.
Coding change: c.311_314del on transcript NM_006516.4 (MANE Select); coding-DNA positions 311 to 314, 4 bases deleted (TCGT; older notation c.311_314delTCGT).
Protein change: p.Phe104fs; shifts the reading frame from phenylalanine 104.
Molecular consequence: frameshift variant.
Genome position (GRCh38, 1-based): chr1:42,930,828-42,930,831, ACGA deleted on the plus strand (TCGT on the coding strand, the reverse complement: SLC2A1 is on the minus strand); deleting any 4 consecutive bases within chr1:42,930,828-42,930,832 gives the same sequence; the c. name uses the placement nearest the transcript's 3' end. VCF-style (leftmost placement, unchanged base first): chr1-42930827-CACGA-C. GRCh37 (hg19) VCF-style: chr1-43396498-CACGA-C.
Other names: short protein forms F104fs.
Identifiers: ClinVar variation 2765488 (VCV002765488.3), dbSNP rs2524998256, ClinGen allele CA2697552363.

ClinVar aggregate classification (germline): Pathogenic (1 of 4 stars; one submission).

Conditions:
GLUT1 deficiency syndrome 1, autosomal recessive. Identifiers: MedGen C3149117.

Submission:

Labcorp Genetics (formerly Invitae), Labcorp
Classification: Pathogenic for GLUT1 deficiency syndrome 1, autosomal recessive. Last evaluated: 2023-10-04. Review status: criteria provided, single submitter. Criteria: Invitae Variant Classification Sherloc (09022015). Collection method: clinical testing. Allele origin: germline.
Comment: This sequence change creates a premature translational stop signal (p.Phe104Cysfs*18) in the SLC2A1 gene. It is expected to result in an absent or disrupted protein product. Loss-of-function variants in SLC2A1 are known to be pathogenic (PMID: 21832227, 26193382). This variant is not present in population databases (gnomAD no frequency). This variant has not been reported in the literature in individuals affected with SLC2A1-related conditions. For these reasons, this variant has been classified as Pathogenic.

Literature cited by the submitters: PubMed 21832227; PubMed 26193382.